The following is an entry in ClinVar:

ClinVar aggregate classification (germline): Uncertain significance (1 of 4 stars; one submission).

Conditions:
Cardiovascular phenotype. Identifiers: MedGen CN230736.

gnomAD v4.1: 7 of 1,549,200 alleles (0.00045%); highest among the groups gnomAD compares: Admixed American, 0.0039%; no homozygotes.

Submission:

Ambry Genetics
Classification: Uncertain significance for Cardiovascular phenotype. Last evaluated: 2025-03-18. Review status: criteria provided, single submitter. Criteria: Ambry Variant Classification Scheme 2023. Collection method: clinical testing. Allele origin: germline.
Comment: The p.E1610Q variant (also known as c.4828G>C), located in coding exon 2 of the ZNF469 gene, results from a G to C substitution at nucleotide position 4828. The glutamic acid at codon 1610 is replaced by glutamine, an amino acid with highly similar properties. This amino acid position is conserved. In addition, this alteration is predicted to be tolerated by in silico analysis. Based on the available evidence, the clinical significance of this variant remains unclear.

NM_001367624.2(ZNF469):c.4912G>C (p.Glu1638Gln)

Gene: ZNF469 (zinc finger protein 469; plus strand). Cytogenetic location: 16q24.2.
Variant type: single nucleotide variant.
Coding change: c.4912G>C on transcript NM_001367624.2 (MANE Select); coding-DNA position 4912, G replaced by C.
Protein change: p.Glu1638Gln; replaces glutamic acid 1638 with glutamine.
Molecular consequence: missense variant.
Genome position (GRCh38, 1-based): chr16:88,432,382, G>C. VCF-style: chr16-88432382-G-C. GRCh37 (hg19) VCF-style: chr16-88498790-G-C.
Other names: NM_001127464.1:c.4828G>C; short protein forms E1638Q.
Identifiers: ClinVar variation 3821180 (VCV003821180.2).